The following is an entry in ClinVar:

NM_001042492.3(NF1):c.4533C>G (p.Leu1511=)

Gene: NF1 (neurofibromin 1; plus strand). Cytogenetic location: 17q11.2.
Variant type: single nucleotide variant.
Coding change: c.4533C>G on transcript NM_001042492.3 (MANE Select); coding-DNA position 4533, C replaced by G.
Protein change: p.Leu1511=; no amino-acid change (leucine 1511 retained).
Molecular consequence: synonymous variant.
Genome position (GRCh38, 1-based): chr17:31,260,471, C>G. VCF-style: chr17-31260471-C-G. GRCh37 (hg19) VCF-style: chr17-29587489-C-G.
Other names: c.4470C>G, p.Leu1490= (NM_000267.4).
Identifiers: ClinVar variation 1079942 (VCV001079942.11), dbSNP rs1462064585, ClinGen allele CA499233721.

ClinVar aggregate classification (germline): Benign/Likely benign. Review status: criteria provided, multiple submitters, no conflicts (2 of 4 stars). 5 submissions from 5 submitters: Benign (1); Likely benign (4). Last evaluated 2026-05-19.

Conditions:
Hereditary cancer-predisposing syndrome. Also called: Neoplastic Syndromes, Hereditary; Tumor predisposition; Hereditary Cancer Syndrome; Hereditary neoplastic syndrome. Identifiers: Orphanet 140162, MedGen C0027672, MeSH D009386, MONDO:0015356.
Cardiovascular phenotype. Identifiers: MedGen CN230736.
Neurofibromatosis, type 1 (NF1). Also called: Peripheral type neurofibromatosis; NEUROFIBROMATOSIS, TYPE I, SOMATIC; VON RECKLINGHAUSEN DISEASE; Neurofibromatosis, type I. Identifiers: Orphanet 636, MedGen C0027831, MONDO:0018975, OMIM 162200. Disease mechanism: loss of function.

Allele frequency attached by ClinVar (database versions not stated): gnomAD exomes below 0.00001; gnomAD 0.00001; TOPMed below 0.00001.
gnomAD v4.1: 2 of 1,613,868 alleles (0.00012%); highest among the groups gnomAD compares: East Asian, 0.0022%; no homozygotes.

Submissions (5):

Myriad Genetics, Inc.
Classification: Benign for Neurofibromatosis, type 1. Last evaluated: 2026-05-19. Review status: criteria provided, single submitter. Criteria: Myriad Autosomal Dominant, Autosomal Recessive and X-Linked Classification Criteria (2023). Collection method: clinical testing. Allele origin: unknown.
Comment: This variant is considered benign. This variant is a silent/synonymous amino acid change and it is not expected to impact splicing.

Labcorp Genetics (formerly Invitae), Labcorp
Classification: Likely benign for Neurofibromatosis, type 1. Last evaluated: 2024-06-17. Review status: criteria provided, single submitter. Criteria: Invitae Variant Classification Sherloc (09022015). Collection method: clinical testing. Allele origin: germline.

Genome-Nilou Lab
Classification: Likely benign for Neurofibromatosis, type 1. Last evaluated: 2022-03-15. Review status: criteria provided, single submitter. Criteria: ACMG Guidelines, 2015. Collection method: clinical testing. Allele origin: germline. Affected: no.

Sema4
Classification: Likely benign for Hereditary cancer-predisposing syndrome. Last evaluated: 2021-08-17. Review status: criteria provided, single submitter. Criteria: Sema4 Curation Guidelines. Collection method: curation. Allele origin: germline.

Ambry Genetics
Classification: Likely benign for Cardiovascular phenotype; Hereditary cancer-predisposing syndrome. Last evaluated: 2021-02-01. Review status: criteria provided, single submitter. Criteria: Ambry Variant Classification Scheme 2023. Collection method: clinical testing. Allele origin: germline.